The following is an entry in ClinVar:

NM_001202.6(BMP4):c.481T>C (p.Phe161Leu)

Gene: BMP4 (bone morphogenetic protein 4; minus strand). Cytogenetic location: 14q22.2.
Variant type: single nucleotide variant.
Coding change: c.481T>C on transcript NM_001202.6 (MANE Select); coding-DNA position 481, T replaced by C.
Protein change: p.Phe161Leu; replaces phenylalanine 161 with leucine.
Molecular consequence: missense variant.
Genome position (GRCh38, 1-based): chr14:53,950,778, A>G on the plus strand (T>C on the coding strand, the complement: BMP4 is on the minus strand). VCF-style: chr14-53950778-A-G. GRCh37 (hg19) VCF-style: chr14-54417496-A-G.
Other names: c.481T>C (NM_001202.3); c.622T>C, p.Phe208Leu (NM_001347912.1); c.292T>C, p.Phe98Leu (NM_001347913.2, NM_001347915.2, NM_001347917.1); c.481T>C, p.Phe161Leu (NM_001347914.2, NM_001347916.1, NM_130850.5 and 1 more transcripts); short protein forms F98L, F161L, F208L.
Identifiers: ClinVar variation 1507407 (VCV001507407.9), dbSNP rs749431429, ClinGen allele CA7191730.

ClinVar aggregate classification (germline): Uncertain significance. Review status: criteria provided, multiple submitters, no conflicts (2 of 4 stars). 2 submissions from 2 submitters: Uncertain significance (2). Last evaluated 2025-07-07.

Conditions:
Orofacial cleft 11 (OFC11). Also called: Orofacial cleft 11; ofc11; CLEFT LIP WITH OR WITHOUT CLEFT PALATE, NONSYNDROMIC, 11. Identifiers: MedGen C2677434, MONDO:0010906, OMIM 600625.
Microphthalmia with brain and digit anomalies (MCOPS6). Also called: Microphthalmia, syndromic 6; MICROPHTHALMIA AND PITUITARY ANOMALIES. Identifiers: Orphanet 139471, MedGen C1864689, MONDO:0011936, OMIM 607932.
Inborn genetic diseases. Identifiers: MedGen C0950123, MeSH D030342.

Allele frequency attached by ClinVar (database versions not stated): gnomAD exomes below 0.00001 and 0.00001; ExAC 0.00001; TOPMed 0.00002.
gnomAD v4.1: 2 of 1,613,762 alleles (0.00012%); highest among the groups gnomAD compares: Admixed American, 0.0033%; no homozygotes.

Submissions (2):

Labcorp Genetics (formerly Invitae), Labcorp
Classification: Uncertain significance for Microphthalmia with brain and digit anomalies; Orofacial cleft 11. Last evaluated: 2025-07-07. Review status: criteria provided, single submitter. Criteria: Invitae Variant Classification Sherloc (09022015). Collection method: clinical testing. Allele origin: germline.
Comment: This sequence change replaces phenylalanine, which is neutral and non-polar, with leucine, which is neutral and non-polar, at codon 161 of the BMP4 protein (p.Phe161Leu). This variant is present in population databases (rs749431429, gnomAD 0.003%). This variant has not been reported in the literature in individuals affected with BMP4-related conditions. ClinVar contains an entry for this variant (Variation ID: 1507407). Invitae Evidence Modeling of protein sequence and biophysical properties (such as structural, functional, and spatial information, amino acid conservation, physicochemical variation, residue mobility, and thermodynamic stability) indicates that this missense variant is not expected to disrupt BMP4 protein function with a negative predictive value of 80%. In summary, the available evidence is currently insufficient to determine the role of this variant in disease. Therefore, it has been classified as a Variant of Uncertain Significance.

Ambry Genetics
Classification: Uncertain significance for Inborn genetic diseases. Last evaluated: 2023-12-09. Review status: criteria provided, single submitter. Criteria: Ambry Variant Classification Scheme 2023. Collection method: clinical testing. Allele origin: germline.